The following is an entry in ClinVar:

NM_002506.3(NGF):c.335C>G (p.Pro112Arg)

Genes: NGF (nerve growth factor; minus strand), NGF-AS1 (NGF antisense RNA 1; plus strand). Cytogenetic location: 1p13.2.
Variant type: single nucleotide variant.
Coding change: c.335C>G on transcript NM_002506.3 (MANE Select); coding-DNA position 335, C replaced by G.
Protein change: p.Pro112Arg; replaces proline 112 with arginine.
Molecular consequence: missense variant.
Genome position (GRCh38, 1-based): chr1:115,286,461, G>C on the plus strand (C>G on the coding strand, the complement: NGF is on the minus strand). VCF-style: chr1-115286461-G-C. GRCh37 (hg19) VCF-style: chr1-115829082-G-C.
Other names: short protein forms P112R.
Identifiers: ClinVar variation 291990 (VCV000291990.13), dbSNP rs147763877, ClinGen allele CA1022990.
Genomic context (GRCh38, chr1:115,286,461, plus strand): 5'-TCGCCCCTGTGGAAGATGGGATGGGATGATGACCGCTTGCTCCTGTGAGTCCTGTTGAAG[G>C]GGGCAGCACCACCGACCTCGAAGTCCAGATCCTGAGTGTCTGCAGCTTCACGGGGAGGCT-3'
Protein context (NP_002497.2, residues 102-122): DLDFEVGGAA[Pro112Arg]FNRTHRSKRS

ClinVar aggregate classification (germline): Uncertain significance. Review status: criteria provided, multiple submitters, no conflicts (2 of 4 stars). 5 submissions from 5 submitters: Uncertain significance (5). Last evaluated 2023-04-24.

Conditions:
Inborn genetic diseases. Identifiers: MedGen C0950123, MeSH D030342.
Congenital sensory neuropathy with selective loss of small myelinated fibers (HSAN5). Also called: HSAN Type V. Identifiers: Orphanet 64752, MedGen C0020075, MONDO:0012092, OMIM 608654.

Allele frequency attached by ClinVar (database versions not stated): gnomAD 0.00006; TOPMed 0.00009; ESP Exome Variant Server 0.00023; 1000 Genomes Project 30x 0.00031; 1000 Genomes Project 0.00040.
gnomAD v4.1: 156 of 1,613,744 alleles (0.0097%); highest among the groups gnomAD compares: Non-Finnish European, 0.012%; no homozygotes.

Submissions (5):

Ambry Genetics
Classification: Uncertain significance for Inborn genetic diseases. Last evaluated: 2023-04-24. Review status: criteria provided, single submitter. Criteria: Ambry Variant Classification Scheme 2023. Collection method: clinical testing. Allele origin: germline.

Genome-Nilou Lab
Classification: Uncertain significance for Congenital sensory neuropathy with selective loss of small myelinated fibers. Last evaluated: 2023-04-11. Review status: criteria provided, single submitter. Criteria: ACMG Guidelines, 2015. Collection method: clinical testing. Allele origin: germline. Affected: no.

Labcorp Genetics (formerly Invitae), Labcorp
Classification: Uncertain significance for Congenital sensory neuropathy with selective loss of small myelinated fibers. Last evaluated: 2022-09-27. Review status: criteria provided, single submitter. Criteria: Invitae Variant Classification Sherloc (09022015). Collection method: clinical testing. Allele origin: germline.
Comment: This sequence change replaces proline, which is neutral and non-polar, with arginine, which is basic and polar, at codon 112 of the NGF protein (p.Pro112Arg). This variant is present in population databases (rs147763877, gnomAD 0.01%). This variant has not been reported in the literature in individuals affected with NGF-related conditions. ClinVar contains an entry for this variant (Variation ID: 291990). Advanced modeling of protein sequence and biophysical properties (such as structural, functional, and spatial information, amino acid conservation, physicochemical variation, residue mobility, and thermodynamic stability) performed at Invitae indicates that this missense variant is not expected to disrupt NGF protein function. In summary, the available evidence is currently insufficient to determine the role of this variant in disease. Therefore, it has been classified as a Variant of Uncertain Significance.

Illumina Laboratory Services, Illumina
Classification: Uncertain significance for Congenital sensory neuropathy with selective loss of small myelinated fibers. Last evaluated: 2018-01-12. Review status: criteria provided, single submitter. Criteria: ICSL Variant Classification Criteria 13 December 2019. Collection method: clinical testing. Allele origin: germline.

GeneDx
Classification: Uncertain significance. Last evaluated: 2017-05-15. Review status: criteria provided, single submitter. Criteria: GeneDx Variant Classification (06012015). Collection method: clinical testing. Allele origin: germline. Affected: yes.
Comment: The P112R variant has not been published as a pathogenic variant, nor has it been reported as a benign variant to our knowledge. The P112R variant is observed in 10/66618 (0.015%) alleles from individuals of European background (Lek et al., 2016; 1000 Genomes Consortium et al., 2015; Exome Variant Server). This variant is a non-conservative amino acid substitution, which is likely to impact secondary protein structure as these residues differ in polarity, charge, size and/or other properties. However, this substitution occurs at a position that is not conserved, and in silico analysis predicts this variant likely does not alter the protein structure/function.